The following is an entry in ClinVar:

ClinVar aggregate classification (germline): Pathogenic. Review status: criteria provided, multiple submitters, no conflicts (2 of 4 stars). 2 submissions from 2 submitters: Pathogenic (2). Last evaluated 2025-08-20.

Conditions:
COL11A1-related disorder. Also called: COL11A1-related condition; COL11A1-related disorders.

Submissions (2):

PreventionGenetics, part of Exact Sciences
Classification: Pathogenic for COL11A1-related condition. Last evaluated: 2025-08-20. Review status: criteria provided, single submitter. Criteria: ACMG Guidelines, 2015. Collection method: clinical testing. Allele origin: germline.
Comment: The COL11A1 c.2808+1G>C variant is predicted to disrupt the GT donor site and interfere with normal splicing. This variant has been reported to have occurred de novo in a newborn with clinical characteristics consistent with Stickler syndrome (Guo et al. 2017. PubMed ID: 28983407). This variant has not been reported in a large population database (gnomAD), indicating it is rare. Variants that disrupt the consensus splice donor site in COL11A1 are expected to be pathogenic. This variant is interpreted as pathogenic.

Labcorp Genetics (formerly Invitae), Labcorp
Classification: Pathogenic. Last evaluated: 2025-02-08. Review status: criteria provided, single submitter. Criteria: Invitae Variant Classification Sherloc (09022015). Collection method: clinical testing. Allele origin: germline.
Comment: This sequence change affects a donor splice site in intron 36 of the COL11A1 gene. It is expected to disrupt RNA splicing. Variants that disrupt the donor or acceptor splice site typically lead to a loss of protein function (PMID: 16199547), and loss-of-function variants in COL11A1 are known to be pathogenic (PMID: 20513134, 21035103, 23922384, 25240749, 32427345, 32756486). This variant is not present in population databases (gnomAD no frequency). Disruption of this splice site has been observed in individual(s) with clinical features of Stickler syndrome (PMID: 28983407). In at least one individual the variant was observed to be de novo. ClinVar contains an entry for this variant (Variation ID: 2733964). Algorithms developed to predict the effect of sequence changes on RNA splicing suggest that this variant may disrupt the consensus splice site. For these reasons, this variant has been classified as Pathogenic.

Literature cited by the submitters: PubMed 16199547 (cited by Labcorp Genetics (formerly Invitae), Labcorp); PubMed 20513134 (cited by Labcorp Genetics (formerly Invitae), Labcorp); PubMed 21035103 (cited by Labcorp Genetics (formerly Invitae), Labcorp); PubMed 23922384 (cited by Labcorp Genetics (formerly Invitae), Labcorp); PubMed 25240749 (cited by Labcorp Genetics (formerly Invitae), Labcorp); PubMed 32427345 (cited by Labcorp Genetics (formerly Invitae), Labcorp); PubMed 32756486 (cited by Labcorp Genetics (formerly Invitae), Labcorp); PubMed 28983407 (cited by Labcorp Genetics (formerly Invitae), Labcorp).

NM_001854.4(COL11A1):c.2808+1G>C

Gene: COL11A1 (collagen type XI alpha 1 chain; minus strand). Cytogenetic location: 1p21.1.
Variant type: single nucleotide variant.
Coding change: c.2808+1G>C on transcript NM_001854.4 (MANE Select); the canonical splice donor site of the intron after coding-DNA position 2808, G replaced by C.
Molecular consequence: splice donor variant.
Genome position (GRCh38, 1-based): chr1:102,974,829, C>G on the plus strand (G>C on the coding strand, the complement: COL11A1 is on the minus strand). VCF-style: chr1-102974829-C-G. GRCh37 (hg19) VCF-style: chr1-103440385-C-G.
Other names: c.2808+1G>C (NM_001854.3); c.2691+1G>C (NM_001190709.2); c.2844+1G>C (NM_080629.3); c.2460+1G>C (NM_080630.4).
Identifiers: ClinVar variation 2733964 (VCV002733964.4), dbSNP rs1553223152, ClinGen allele CA341161923.